The following is an entry in ClinVar:

NM_002693.3(POLG):c.1252T>C (p.Cys418Arg)

Gene: POLG (DNA polymerase gamma, catalytic subunit; minus strand). Cytogenetic location: 15q26.1.
Variant type: single nucleotide variant.
Coding change: c.1252T>C on transcript NM_002693.3 (MANE Select); coding-DNA position 1252, T replaced by C.
Protein change: p.Cys418Arg; replaces cysteine 418 with arginine.
Molecular consequence: missense variant.
Genome position (GRCh38, 1-based): chr15:89,327,348, A>G on the plus strand (T>C on the coding strand, the complement: POLG is on the minus strand). VCF-style: chr15-89327348-A-G. GRCh37 (hg19) VCF-style: chr15-89870579-A-G.
Other names: c.1252T>C, p.Cys418Arg (NM_001126131.2); short protein forms C418R.
Identifiers: ClinVar variation 939308 (VCV000939308.12), dbSNP rs758112770, ClinGen allele CA7724888.

ClinVar aggregate classification (germline): Conflicting classifications of pathogenicity. Review status: criteria provided, conflicting classifications (1 of 4 stars). 4 submissions from 4 submitters: Pathogenic (1); Likely pathogenic (2); Uncertain significance (1). Last evaluated 2026-01-22.

Conditions:
Neurodevelopmental delay. Identifiers: MedGen C4022738, HP:0012758.
Sensory ataxic neuropathy, dysarthria, and ophthalmoparesis (SANDO). Also called: Sensory ataxic neuropathy-dysarthria-ophthalmoparesis syndrome; Epilepsy, progressive myoclonic, type 5; SENSORY ATAXIC NEUROPATHY WITH MITOCHONDRIAL DNA DELETIONS, AUTOSOMAL RECESSIVE; Ataxia Neuropathy Spectrum (ANS). Identifiers: Orphanet 70595, MedGen C1843851, MONDO:0011835, OMIM 607459.
Progressive external ophthalmoplegia with mitochondrial DNA deletions, autosomal dominant 1 (PEOA1). Also called: PROGRESSIVE EXTERNAL OPHTHALMOPLEGIA, AUTOSOMAL DOMINANT 1; Autosomal Dominant Progressive External Ophthalmoplegia (adPEO). Identifiers: MedGen C1834846, MONDO:0024528, OMIM 157640.
Progressive external ophthalmoplegia with mitochondrial DNA deletions, autosomal recessive 1 (PEOB1). Also called: Progressive external ophthalmoplegia, autosomal recessive 1; Autosomal Recessive Progressive External Ophthalmoplegia (arPEO). Identifiers: Orphanet 254886, MedGen C4225153, MONDO:0009783, OMIM 258450.
Mitochondrial DNA depletion syndrome 4b. Also called: Mitochondrial Neurogastrointestinal Encephalopathy Disease, POLG-Related; MNGIE, POLG-RELATED. Identifiers: Orphanet 298, MedGen C3150914, MONDO:0013350, OMIM 613662.
Progressive sclerosing poliodystrophy (MTDPS4A). Also called: Alpers Syndrome; Mitochondrial DNA depletion syndrome 4A (Alpers type); Alpers-Huttenlocher Syndrome (AHS); ALPERS PROGRESSIVE INFANTILE POLIODYSTROPHY; ALPERS DIFFUSE DEGENERATION OF CEREBRAL GRAY MATTER WITH HEPATIC CIRRHOSIS; Alpers-Huttenlocher Syndrome. Identifiers: Orphanet 726, MedGen C0205710, MONDO:0008758, OMIM 203700.
POLG-related disorder. Also called: POLG-Related Spectrum Disorders; POLG-related condition; POLG-Related Disorders. Identifiers: MedGen C4763519.

Allele frequency attached by ClinVar (database versions not stated): gnomAD exomes below 0.00001; ExAC 0.00001; gnomAD 0.00001; TOPMed 0.00001.
gnomAD v4.1: 58 of 1,612,688 alleles (0.0036%); highest among the groups gnomAD compares: Non-Finnish European, 0.0047%; no homozygotes.

Submissions (4):

Myriad Genetics, Inc.
Classification: Likely pathogenic for POLG-related disorder. Last evaluated: 2026-01-22. Review status: criteria provided, single submitter. Criteria: Myriad Autosomal Dominant, Autosomal Recessive and X-Linked Classification Criteria (2023). Collection method: clinical testing. Allele origin: unknown.
Comment: NM_002693.2(POLG):c.1252T>C(C418R) is a missense variant classified as likely pathogenic in the context of POLG-related disorders. C418R has been observed in cases with relevant disease (PMID: 18487244, 29203537, 17426723, 25118206). Relevant functional assessments of this variant are not available in the literature. C418R has been observed in referenced population frequency databases. In summary, NM_002693.2(POLG):c.1252T>C(C418R) is a missense variant that has been observed more frequently in cases with the relevant disease than in healthy populations. Please note: this variant was assessed in the context of healthy population screening.

Labcorp Genetics (formerly Invitae), Labcorp
Classification: Uncertain significance for Progressive sclerosing poliodystrophy. Last evaluated: 2025-04-11. Review status: criteria provided, single submitter. Criteria: Invitae Variant Classification Sherloc (09022015). Collection method: clinical testing. Allele origin: germline.
Comment: This sequence change replaces cysteine, which is neutral and slightly polar, with arginine, which is basic and polar, at codon 418 of the POLG protein (p.Cys418Arg). This variant is not present in population databases (gnomAD no frequency). This missense change has been observed in individuals with POLG-related conditions (PMID: 18487244, 21704543). ClinVar contains an entry for this variant (Variation ID: 939308). An algorithm developed to predict the effect of missense changes on protein structure and function (PolyPhen-2) suggests that this variant is likely to be disruptive. In summary, the available evidence is currently insufficient to determine the role of this variant in disease. Therefore, it has been classified as a Variant of Uncertain Significance.

Fulgent Genetics
Classification: Likely pathogenic for Progressive external ophthalmoplegia with mitochondrial DNA deletions, autosomal dominant 1; Progressive sclerosing poliodystrophy; Progressive external ophthalmoplegia with mitochondrial DNA deletions, autosomal recessive 1; Sensory ataxic neuropathy, dysarthria, and ophthalmoparesis; Mitochondrial DNA depletion syndrome 4b. Last evaluated: 2024-04-18. Review status: criteria provided, single submitter. Criteria: ACMG Guidelines, 2015. Collection method: clinical testing. Allele origin: germline.

Centre de Biologie Pathologie Génétique, Centre Hospitalier Universitaire de Lille
Classification: Pathogenic for Neurodevelopmental delay. Review status: criteria provided, single submitter. Criteria: ACMG Guidelines, 2015. Collection method: clinical testing. Allele origin: biparental. Affected: yes.

Literature cited by the submitters: PubMed 17426723 (cited by Myriad Genetics, Inc.); PubMed 18487244 (cited by Myriad Genetics, Inc. and Labcorp Genetics (formerly Invitae), Labcorp); PubMed 25118206 (cited by Myriad Genetics, Inc.); PubMed 29203537 (cited by Myriad Genetics, Inc.); PubMed 21704543 (cited by Labcorp Genetics (formerly Invitae), Labcorp).